The following is an entry in ClinVar:

ClinVar aggregate classification (germline): Uncertain significance. Review status: criteria provided, multiple submitters, no conflicts (2 of 4 stars). 2 submissions from 2 submitters: Uncertain significance (2). Last evaluated 2024-04-30.

Conditions:
Inborn genetic diseases. Identifiers: MedGen C0950123, MeSH D030342.

Allele frequency attached by ClinVar (database versions not stated): gnomAD exomes below 0.00001 and 0.00002; ExAC 0.00002.
gnomAD v4.1: 9 of 1,613,960 alleles (0.00056%); highest among the groups gnomAD compares: Admixed American, 0.0017%; no homozygotes.

Submissions (2):

Ambry Genetics
Classification: Uncertain significance for Inborn genetic diseases. Last evaluated: 2024-04-30. Review status: criteria provided, single submitter. Criteria: Ambry Variant Classification Scheme 2023. Collection method: clinical testing. Allele origin: germline.

Labcorp Genetics (formerly Invitae), Labcorp
Classification: Uncertain significance. Last evaluated: 2021-12-12. Review status: criteria provided, single submitter. Criteria: Invitae Variant Classification Sherloc (09022015). Collection method: clinical testing. Allele origin: germline.
Comment: This sequence change replaces glutamic acid, which is acidic and polar, with aspartic acid, which is acidic and polar, at codon 208 of the CTSK protein (p.Glu208Asp). This variant is present in population databases (rs768562170, gnomAD 0.004%). This variant has not been reported in the literature in individuals affected with CTSK-related conditions. Advanced modeling of protein sequence and biophysical properties (such as structural, functional, and spatial information, amino acid conservation, physicochemical variation, residue mobility, and thermodynamic stability) performed at Invitae indicates that this missense variant is not expected to disrupt CTSK protein function. In summary, the available evidence is currently insufficient to determine the role of this variant in disease. Therefore, it has been classified as a Variant of Uncertain Significance.

NM_000396.4(CTSK):c.624G>C (p.Glu208Asp)

Gene: CTSK (cathepsin K; minus strand). Cytogenetic location: 1q21.3.
Variant type: single nucleotide variant.
Coding change: c.624G>C on transcript NM_000396.4 (MANE Select); coding-DNA position 624, G replaced by C.
Protein change: p.Glu208Asp; replaces glutamic acid 208 with aspartic acid.
Molecular consequence: missense variant.
Genome position (GRCh38, 1-based): chr1:150,799,704, C>G on the plus strand (G>C on the coding strand, the complement: CTSK is on the minus strand). VCF-style: chr1-150799704-C-G. GRCh37 (hg19) VCF-style: chr1-150772180-C-G.
Other names: c.624G>C (NM_000396.3); short protein forms E208D.
Identifiers: ClinVar variation 1465525 (VCV001465525.4), dbSNP rs768562170, ClinGen allele CA1080468.